The following is an entry in ClinVar:

ClinVar aggregate classification (germline): Uncertain significance (1 of 4 stars; one submission).

Allele frequency attached by ClinVar (database versions not stated): gnomAD 0.00001.
gnomAD v4.1: 1 of 1,613,420 alleles (0.000062%); highest among the groups gnomAD compares: Non-Finnish European, 0.000085%; no homozygotes.

Submission:

Labcorp Genetics (formerly Invitae), Labcorp
Classification: Uncertain significance. Last evaluated: 2022-08-31. Review status: criteria provided, single submitter. Criteria: Invitae Variant Classification Sherloc (09022015). Collection method: clinical testing. Allele origin: germline.
Comment: In summary, the available evidence is currently insufficient to determine the role of this variant in disease. Therefore, it has been classified as a Variant of Uncertain Significance. Advanced modeling of protein sequence and biophysical properties (such as structural, functional, and spatial information, amino acid conservation, physicochemical variation, residue mobility, and thermodynamic stability) performed at Invitae indicates that this missense variant is not expected to disrupt COL11A2 protein function. This variant has not been reported in the literature in individuals affected with COL11A2-related conditions. This variant is present in population databases (no rsID available, gnomAD 0.007%). This sequence change replaces lysine, which is basic and polar, with asparagine, which is neutral and polar, at codon 1428 of the COL11A2 protein (p.Lys1428Asn).

NM_080680.3(COL11A2):c.4284G>T (p.Lys1428Asn)

Gene: COL11A2 (collagen type XI alpha 2 chain; minus strand). Cytogenetic location: 6p21.32.
Variant type: single nucleotide variant.
Coding change: c.4284G>T on transcript NM_080680.3 (MANE Select); coding-DNA position 4284, G replaced by T.
Protein change: p.Lys1428Asn; replaces lysine 1428 with asparagine.
Molecular consequence: missense variant.
Genome position (GRCh38, 1-based): chr6:33,166,774, C>A on the plus strand (G>T on the coding strand, the complement: COL11A2 is on the minus strand). VCF-style: chr6-33166774-C-A. GRCh37 (hg19) VCF-style: chr6-33134551-C-A.
Other names: c.3963G>T, p.Lys1321Asn (NM_080679.3); c.4026G>T, p.Lys1342Asn (NM_080681.3); short protein forms K1321N, K1342N, K1428N.
Identifiers: ClinVar variation 2171539 (VCV002171539.4), dbSNP rs1274240042, ClinGen allele CA363620582.